The following is an entry in ClinVar:

ClinVar aggregate classification (germline): Pathogenic (1 of 4 stars; one submission).

Conditions:
Osteogenesis imperfecta type I (OI1). Also called: OI, TYPE I; OSTEOGENESIS IMPERFECTA TARDA; OSTEOGENESIS IMPERFECTA WITH BLUE SCLERAE; Osteogenesis imperfecta type 1; Lobstein's Disease; Lobstein disease. Identifiers: Orphanet 216796, Orphanet 666, MedGen C0023931, MONDO:0008146, OMIM 166200. Disease mechanism: loss of function.

Submission:

Labcorp Genetics (formerly Invitae), Labcorp
Classification: Pathogenic for Osteogenesis imperfecta type I. Last evaluated: 2023-01-17. Review status: criteria provided, single submitter. Criteria: Invitae Variant Classification Sherloc (09022015). Collection method: clinical testing. Allele origin: germline.
Comment: For these reasons, this variant has been classified as Pathogenic. This variant disrupts the p.Gly353 amino acid residue in COL1A1. Other variant(s) that disrupt this residue have been observed in individuals with COL1A1-related conditions (PMID: 17078022, 18996919, 31447884), which suggests that this may be a clinically significant amino acid residue. This variant disrupts the triple helix domain of COL1A1. Glycine residues within the Gly-Xaa-Yaa repeats of the triple helix domain are required for the structure and stability of fibrillar collagens (PMID: 7695699, 8218237, 19344236). In COL1A1, variants affecting these glycine residues are significantly enriched in individuals with disease (PMID: 9016532, 17078022) compared to the general population (ExAC). Algorithms developed to predict the effect of missense changes on protein structure and function are either unavailable or do not agree on the potential impact of this missense change (SIFT: "Deleterious"; PolyPhen-2: "Not Available"; Align-GVGD: "Class C65"). This variant has not been reported in the literature in individuals affected with COL1A1-related conditions. This variant is not present in population databases (gnomAD no frequency). This sequence change replaces glycine, which is neutral and non-polar, with arginine, which is basic and polar, at codon 353 of the COL1A1 protein (p.Gly353Arg).

Literature cited by the submitters: PubMed 17078022; PubMed 18996919; PubMed 31447884; PubMed 7695699; PubMed 8218237; PubMed 19344236; PubMed 9016532.

NM_000088.4(COL1A1):c.1057G>C (p.Gly353Arg)

Gene: COL1A1 (collagen type I alpha 1 chain; minus strand). Cytogenetic location: 17q21.33.
Variant type: single nucleotide variant.
Coding change: c.1057G>C on transcript NM_000088.4 (MANE Select); coding-DNA position 1057, G replaced by C.
Protein change: p.Gly353Arg; replaces glycine 353 with arginine.
Molecular consequence: missense variant.
Genome position (GRCh38, 1-based): chr17:50,195,665, C>G on the plus strand (G>C on the coding strand, the complement: COL1A1 is on the minus strand). VCF-style: chr17-50195665-C-G. GRCh37 (hg19) VCF-style: chr17-48273026-C-G.
Other names: short protein forms G353R.
Identifiers: ClinVar variation 2829583 (VCV002829583.3), dbSNP rs66721653, ClinGen allele CA400220322.